The following is an entry in ClinVar:

ClinVar aggregate classification (germline): Conflicting classifications of pathogenicity. Review status: criteria provided, conflicting classifications (1 of 4 stars). 2 submissions from 2 submitters: Uncertain significance (1); Likely benign (1). Last evaluated 2024-10-07.

Conditions:
Glutaric aciduria, type 1. Also called: GA I; Glutaric Acidemia Type 1; Glutaricacidemia Type 1; Glutaryl-CoA dehydrogenase deficiency; Glutaric acidemia type I; Glutaricaciduria, type I. Identifiers: Orphanet 25, MedGen C0268595, MONDO:0009281, OMIM 231670.

Allele frequency attached by ClinVar (database versions not stated): TOPMed below 0.00001; gnomAD 0.00002.
gnomAD v4.1: 15 of 1,614,078 alleles (0.00093%); highest among the groups gnomAD compares: Non-Finnish European, 0.0013%; no homozygotes.

Submissions (2):

Labcorp Genetics (formerly Invitae), Labcorp
Classification: Uncertain significance for Glutaric aciduria, type 1. Last evaluated: 2024-10-07. Review status: criteria provided, single submitter. Criteria: Invitae Variant Classification Sherloc (09022015). Collection method: clinical testing. Allele origin: germline.
Comment: This sequence change falls in intron 4 of the GCDH gene. It does not directly change the encoded amino acid sequence of the GCDH protein. This variant is present in population databases (no rsID available, gnomAD 0.01%). This variant has not been reported in the literature in individuals affected with GCDH-related conditions. ClinVar contains an entry for this variant (Variation ID: 2418783). Algorithms developed to predict the effect of sequence changes on RNA splicing suggest that this variant may create or strengthen a splice site. In summary, the available evidence is currently insufficient to determine the role of this variant in disease. Therefore, it has been classified as a Variant of Uncertain Significance.

Blueprint Genetics
Classification: Likely benign. Last evaluated: 2024-01-25. Review status: criteria provided, single submitter. Criteria: ACMG Guidelines, 2015. Collection method: clinical testing. Allele origin: germline.

NM_000159.4(GCDH):c.271+19G>A

Gene: GCDH (glutaryl-CoA dehydrogenase; plus strand). Cytogenetic location: 19p13.13.
Variant type: single nucleotide variant.
Coding change: c.271+19G>A on transcript NM_000159.4 (MANE Select); 19 bases into the intron after coding-DNA position 271, G replaced by A.
Molecular consequence: intron variant.
Genome position (GRCh38, 1-based): chr19:12,891,993, G>A. VCF-style: chr19-12891993-G-A. GRCh37 (hg19) VCF-style: chr19-13002807-G-A.
Other names: c.271+19G>A (NM_013976.5).
Identifiers: ClinVar variation 2418783 (VCV002418783.7), dbSNP rs1188451530, ClinGen allele CA631851821.